The following is an entry in ClinVar:

NM_005148.4(UNC119):c.695C>T (p.Ala232Val)

Gene: UNC119 (unc-119 lipid binding chaperone; minus strand). Cytogenetic location: 17q11.2.
Variant type: single nucleotide variant.
Coding change: c.695C>T on transcript NM_005148.4 (MANE Select); coding-DNA position 695, C replaced by T.
Protein change: p.Ala232Val; replaces alanine 232 with valine.
Molecular consequence: missense variant. On other transcripts: 3 prime UTR variant (1).
Genome position (GRCh38, 1-based): chr17:28,547,325, G>A on the plus strand (C>T on the coding strand, the complement: UNC119 is on the minus strand). VCF-style: chr17-28547325-G-A. GRCh37 (hg19) VCF-style: chr17-26874343-G-A.
Other names: c.410C>T, p.Ala137Val (NM_001330166.2); c.*299C>T (NM_054035.2); short protein forms A137V, A232V.
Identifiers: ClinVar variation 2967489 (VCV002967489.3), dbSNP rs2508461976, ClinGen allele CA398328239.

ClinVar aggregate classification (germline): Uncertain significance (1 of 4 stars; one submission).

Submission:

Labcorp Genetics (formerly Invitae), Labcorp
Classification: Uncertain significance. Last evaluated: 2022-11-22. Review status: criteria provided, single submitter. Criteria: Invitae Variant Classification Sherloc (09022015). Collection method: clinical testing. Allele origin: germline.
Comment: This variant is not present in population databases (gnomAD no frequency). This sequence change replaces alanine, which is neutral and non-polar, with valine, which is neutral and non-polar, at codon 232 of the UNC119 protein (p.Ala232Val). In summary, the available evidence is currently insufficient to determine the role of this variant in disease. Therefore, it has been classified as a Variant of Uncertain Significance. Algorithms developed to predict the effect of missense changes on protein structure and function are either unavailable or do not agree on the potential impact of this missense change (SIFT: "Not Available"; PolyPhen-2: "Probably Damaging"; Align-GVGD: "Not Available"). This variant has not been reported in the literature in individuals affected with UNC119-related conditions.